The following is an entry in ClinVar:

NM_005787.6(ALG3):c.611C>T (p.Ala204Val)

Gene: ALG3 (ALG3 alpha-1,3- mannosyltransferase; minus strand). Cytogenetic location: 3q27.1.
Variant type: single nucleotide variant.
Coding change: c.611C>T on transcript NM_005787.6 (MANE Select); coding-DNA position 611, C replaced by T.
Protein change: p.Ala204Val; replaces alanine 204 with valine.
Molecular consequence: missense variant. On other transcripts: non-coding transcript variant (2).
Genome position (GRCh38, 1-based): chr3:184,244,716, G>A on the plus strand (C>T on the coding strand, the complement: ALG3 is on the minus strand). VCF-style: chr3-184244716-G-A. GRCh37 (hg19) VCF-style: chr3-183962504-G-A.
Other names: c.611C>T (NM_005787.5); c.467C>T, p.Ala156Val (NM_001006941.2); short protein forms A156V, A204V.
Identifiers: ClinVar variation 1184849 (VCV001184849.2), dbSNP rs1719034314, ClinGen allele CA355420670.

ClinVar aggregate classification (germline): Uncertain significance. Review status: criteria provided, single submitter (1 of 4 stars). 2 submissions from 2 submitters: Uncertain significance (1). 1 of the submissions does not count toward it. Last evaluated 2023-05-17.

Conditions:
ALG3-congenital disorder of glycosylation. Also called: CONGENITAL DISORDER OF GLYCOSYLATION, TYPE Id; CDG Id; ALG3-CDG; CARBOHYDRATE-DEFICIENT GLYCOPROTEIN SYNDROME, TYPE IV; CDGS, TYPE IV. Identifiers: Orphanet 79321, MedGen C1832736, MONDO:0010998, OMIM 601110.

Allele frequency attached by ClinVar (database versions not stated): TOPMed below 0.00001; gnomAD 0.00001.

Submissions (2):

Women's Health and Genetics/Laboratory Corporation of America, LabCorp
Classification: Uncertain significance. Last evaluated: 2023-05-17. Review status: criteria provided, single submitter. Criteria: LabCorp Variant Classification Summary - May 2015. Collection method: clinical testing. Allele origin: germline.
Comment: Variant summary: ALG3 c.611C>T (p.Ala204Val) results in a non-conservative amino acid change in the encoded protein sequence. Five of five in-silico tools predict a damaging effect of the variant on protein function. The variant was absent in 240440 control chromosomes (gnomAD). The available data on variant occurrences in the general population are insufficient to allow any conclusion about variant significance. c.611C>T has been reported in the literature in an individual affected with ALG3-congenital disorder of glycosylation (examples: Alsharhan_2021, and Farolfi_2021). These data do not allow any conclusion about variant significance. The following publications have been ascertained in the context of this evaluation (PMID: 33583022, 34090370). To our knowledge, no experimental evidence demonstrating an impact on protein function has been reported. No clinical diagnostic laboratories have submitted clinical-significance assessments for this variant to ClinVar after 2014. Based on the evidence outlined above, the variant was classified as uncertain significance.

University of Washington Center for Mendelian Genomics, University of Washington
Classification: Pathogenic for ALG3-congenital disorder of glycosylation. Review status: no assertion criteria provided. Collection method: research. Allele origin: inherited. Affected: yes. Not counted in ClinVar's aggregate classification.

Literature cited by the submitters: PubMed 33583022 (cited by Women's Health and Genetics/Laboratory Corporation of America, LabCorp and University of Washington Center for Mendelian Genomics, University of Washington); PubMed 34090370 (cited by Women's Health and Genetics/Laboratory Corporation of America, LabCorp).